The following is an entry in ClinVar:

NM_001040108.2(MLH3):c.2603A>G (p.Lys868Arg)

Gene: MLH3 (mutL homolog 3; minus strand). Cytogenetic location: 14q24.3.
Variant type: single nucleotide variant.
Coding change: c.2603A>G on transcript NM_001040108.2 (MANE Select); coding-DNA position 2603, A replaced by G.
Protein change: p.Lys868Arg; replaces lysine 868 with arginine.
Molecular consequence: missense variant.
Genome position (GRCh38, 1-based): chr14:75,047,053, T>C on the plus strand (A>G on the coding strand, the complement: MLH3 is on the minus strand). VCF-style: chr14-75047053-T-C. GRCh37 (hg19) VCF-style: chr14-75513756-T-C.
Other names: c.2603A>G, p.Lys868Arg (NM_014381.3); short protein forms K868R.
Identifiers: ClinVar variation 3724473 (VCV003724473.3).

ClinVar aggregate classification (germline): Uncertain significance. Review status: criteria provided, multiple submitters, no conflicts (2 of 4 stars). 2 submissions from 2 submitters: Uncertain significance (2). Last evaluated 2025-12-09.

Conditions:
Colorectal cancer, hereditary nonpolyposis, type 7. Identifiers: Orphanet 144, MedGen C1858380, MONDO:0013725, OMIM 614385.

Submissions (2):

Ambry Genetics
Classification: Uncertain significance. Last evaluated: 2025-12-09. Review status: criteria provided, single submitter. Criteria: Ambry Variant Classification Scheme 2023. Collection method: clinical testing. Allele origin: germline.
Comment: The p.K868R variant (also known as c.2603A>G), located in coding exon 1 of the MLH3 gene, results from an A to G substitution at nucleotide position 2603. The lysine at codon 868 is replaced by arginine, an amino acid with highly similar properties. This amino acid position is conserved. In addition, this alteration is predicted to be tolerated by in silico analysis. Based on the available evidence, the clinical significance of this variant remains unclear.

Labcorp Genetics (formerly Invitae), Labcorp
Classification: Uncertain significance for Colorectal cancer, hereditary nonpolyposis, type 7. Last evaluated: 2024-11-03. Review status: criteria provided, single submitter. Criteria: Invitae Variant Classification Sherloc (09022015). Collection method: clinical testing. Allele origin: germline.
Comment: This sequence change replaces lysine, which is basic and polar, with arginine, which is basic and polar, at codon 868 of the MLH3 protein (p.Lys868Arg). This variant is not present in population databases (gnomAD no frequency). This variant has not been reported in the literature in individuals affected with MLH3-related conditions. An algorithm developed to predict the effect of missense changes on protein structure and function outputs the following: PolyPhen-2: "Benign". The arginine amino acid residue is found in multiple mammalian species, which suggests that this missense change does not adversely affect protein function. In summary, the available evidence is currently insufficient to determine the role of this variant in disease. Therefore, it has been classified as a Variant of Uncertain Significance.